The following is an entry in ClinVar:

ClinVar aggregate classification (germline): Conflicting classifications of pathogenicity. Review status: criteria provided, conflicting classifications (1 of 4 stars). 3 submissions from 3 submitters: Uncertain significance (1); Likely benign (2). Last evaluated 2025-10-23.

Conditions:
Autosomal recessive polycystic kidney disease (ARPKD). Also called: AR polycystic kidney disease. Identifiers: Orphanet 731, Orphanet 8378, MedGen C0085548, MeSH D017044, MONDO:0009889.
PKHD1-related disorder. Also called: PKHD1-related condition.

Allele frequency attached by ClinVar (database versions not stated): gnomAD exomes below 0.00001; TOPMed 0.00002.
gnomAD v4.1: 2 of 1,614,064 alleles (0.00012%); highest among the groups gnomAD compares: African/African-American, 0.0013%; no homozygotes.

Submissions (3):

PreventionGenetics, part of Exact Sciences
Classification: Likely benign for PKHD1-related condition. Last evaluated: 2025-10-23. Review status: criteria provided, single submitter. Criteria: ACMG Guidelines, 2015. Collection method: clinical testing. Allele origin: germline.
Comment: This variant is classified as likely benign based on ACMG/AMP sequence variant interpretation guidelines (Richards et al. 2015 PMID: 25741868, with internal and published modifications).

Labcorp Genetics (formerly Invitae), Labcorp
Classification: Likely benign for Autosomal recessive polycystic kidney disease. Last evaluated: 2023-11-09. Review status: criteria provided, single submitter. Criteria: Invitae Variant Classification Sherloc (09022015). Collection method: clinical testing. Allele origin: germline.

Eurofins Ntd Llc (ga)
Classification: Uncertain significance. Last evaluated: 2017-08-04. Review status: criteria provided, single submitter. Criteria: EGL Classification Definitions 2015. Collection method: clinical testing. Allele origin: germline. Observed: 1 variant allele, 1 heterozygote.

NM_138694.4(PKHD1):c.4554A>G (p.Val1518=)

Gene: PKHD1 (PKHD1 ciliary IPT domain containing fibrocystin/polyductin; minus strand). Cytogenetic location: 6p12.2.
Variant type: single nucleotide variant.
Coding change: c.4554A>G on transcript NM_138694.4 (MANE Select); coding-DNA position 4554, A replaced by G.
Protein change: p.Val1518=; no amino-acid change (valine 1518 retained).
Molecular consequence: synonymous variant.
Genome position (GRCh38, 1-based): chr6:52,025,256, T>C on the plus strand (A>G on the coding strand, the complement: PKHD1 is on the minus strand). VCF-style: chr6-52025256-T-C. GRCh37 (hg19) VCF-style: chr6-51890054-T-C.
Other names: c.4554A>G, p.Val1518= (NM_170724.3); c.4554A>G (NM_138694.3).
Identifiers: ClinVar variation 593517 (VCV000593517.13), dbSNP rs1562163878, ClinGen allele CA450614420.